The following is an entry in ClinVar:

NM_002506.3(NGF):c.539G>A (p.Arg180Gln)

Genes: NGF (nerve growth factor; minus strand), NGF-AS1 (NGF antisense RNA 1; plus strand). Cytogenetic location: 1p13.2.
Variant type: single nucleotide variant.
Coding change: c.539G>A on transcript NM_002506.3 (MANE Select); coding-DNA position 539, G replaced by A.
Protein change: p.Arg180Gln; replaces arginine 180 with glutamine.
Molecular consequence: missense variant.
Genome position (GRCh38, 1-based): chr1:115,286,257, C>T on the plus strand (G>A on the coding strand, the complement: NGF is on the minus strand). VCF-style: chr1-115286257-C-T. GRCh37 (hg19) VCF-style: chr1-115828878-C-T.
Other names: short protein forms R180Q.
Identifiers: ClinVar variation 576877 (VCV000576877.12), dbSNP rs758166016, ClinGen allele CA1022956.

ClinVar aggregate classification (germline): Uncertain significance. Review status: criteria provided, multiple submitters, no conflicts (2 of 4 stars). 3 submissions from 3 submitters: Uncertain significance (3). Last evaluated 2025-07-01.

Conditions:
Congenital sensory neuropathy with selective loss of small myelinated fibers (HSAN5). Also called: HSAN Type V. Identifiers: Orphanet 64752, MedGen C0020075, MONDO:0012092, OMIM 608654.
Inborn genetic diseases. Identifiers: MedGen C0950123, MeSH D030342.

Allele frequency attached by ClinVar (database versions not stated): gnomAD exomes 0.00001 and 0.00004; ExAC 0.00004; TOPMed 0.00004; gnomAD 0.00005.
gnomAD v4.1: 27 of 1,614,010 alleles (0.0017%); highest among the groups gnomAD compares: Admixed American, 0.018%; no homozygotes.

Submissions (3):

Ambry Genetics
Classification: Uncertain significance for Inborn genetic diseases. Last evaluated: 2025-07-01. Review status: criteria provided, single submitter. Criteria: Ambry Variant Classification Scheme 2023. Collection method: clinical testing. Allele origin: germline.

Labcorp Genetics (formerly Invitae), Labcorp
Classification: Uncertain significance for Congenital sensory neuropathy with selective loss of small myelinated fibers. Last evaluated: 2024-10-15. Review status: criteria provided, single submitter. Criteria: Invitae Variant Classification Sherloc (09022015). Collection method: clinical testing. Allele origin: germline.
Comment: This sequence change replaces arginine, which is basic and polar, with glutamine, which is neutral and polar, at codon 180 of the NGF protein (p.Arg180Gln). This variant is present in population databases (rs758166016, gnomAD 0.01%). This variant has not been reported in the literature in individuals affected with NGF-related conditions. ClinVar contains an entry for this variant (Variation ID: 576877). Invitae Evidence Modeling of protein sequence and biophysical properties (such as structural, functional, and spatial information, amino acid conservation, physicochemical variation, residue mobility, and thermodynamic stability) indicates that this missense variant is not expected to disrupt NGF protein function with a negative predictive value of 80%. In summary, the available evidence is currently insufficient to determine the role of this variant in disease. Therefore, it has been classified as a Variant of Uncertain Significance.

Genome-Nilou Lab
Classification: Uncertain significance for Congenital sensory neuropathy with selective loss of small myelinated fibers. Last evaluated: 2023-04-11. Review status: criteria provided, single submitter. Criteria: ACMG Guidelines, 2015. Collection method: clinical testing. Allele origin: germline. Affected: no.